The following is an entry in ClinVar:

ClinVar aggregate classification (germline): Conflicting classifications of pathogenicity. Review status: criteria provided, conflicting classifications (1 of 4 stars). 5 submissions from 5 submitters: Uncertain significance (1); Likely benign (4). Last evaluated 2025-12-30.

Conditions:
MYLK-related disorder. Also called: MYLK-related condition.
Aortic aneurysm, familial thoracic 7 (AAT7). Also called: AORTIC DISSECTION, FAMILIAL, WITH OR WITHOUT AORTIC ANEURYSM. Identifiers: MedGen C3151077, MONDO:0013418, OMIM 613780.
Familial thoracic aortic aneurysm and aortic dissection (TAAD). Also called: Thoracic aortic aneurysms and dissections. Identifiers: Orphanet 91387, MedGen C4707243, MONDO:0019625.

Allele frequency attached by ClinVar (database versions not stated): gnomAD exomes 0.00004 and 0.00005; ExAC 0.00006; gnomAD 0.00011 and 0.00014; ESP Exome Variant Server 0.00015; TOPMed 0.00016.
gnomAD v4.1: 80 of 1,614,206 alleles (0.005%); highest among the groups gnomAD compares: African/African-American, 0.028%; no homozygotes.

Submissions (6):

Labcorp Genetics (formerly Invitae), Labcorp
Classification: Likely benign for Aortic aneurysm, familial thoracic 7. Last evaluated: 2025-12-30. Review status: criteria provided, single submitter. Criteria: Invitae Variant Classification Sherloc (09022015). Collection method: clinical testing. Allele origin: germline.

PreventionGenetics, part of Exact Sciences
Classification: Likely benign for MYLK-related condition. Last evaluated: 2024-12-12. Review status: criteria provided, single submitter. Criteria: ACMG Guidelines, 2015. Collection method: clinical testing. Allele origin: germline.
Comment: This variant is classified as likely benign based on ACMG/AMP sequence variant interpretation guidelines (Richards et al. 2015 PMID: 25741868, with internal and published modifications).

ARUP Laboratories, Molecular Genetics and Genomics, ARUP Laboratories
Classification: Uncertain significance. Last evaluated: 2020-06-18. Review status: criteria provided, single submitter. Criteria: ARUP Molecular Germline Variant Investigation Process. Collection method: clinical testing. Allele origin: germline.
Comment: The MYLK c.3843C>T; p.Ser1281Ser variant (rs377231739), to our knowledge, is not reported in the medical literature but is reported in ClinVar (Variation ID: 241760). This variant is found in the African population with an allele frequency of 0.03% (8/ 24948 alleles) in the Genome Aggregation Database. This is a synonymous variant in a weakly conserved nucleotide, but computational analyses (Alamut v.2.11) predict that this variant may impact splicing by creating a novel cryptic donor splice site/weakening the nearby canonical splice site. Due to limited information, the clinical significance of the p.Ser1281Ser variant is uncertain at this time.

GeneDx
Classification: Likely benign. Last evaluated: 2019-02-08. Review status: criteria provided, single submitter. Criteria: GeneDx Variant Classification Process June 2021. Collection method: clinical testing. Allele origin: germline. Affected: yes.

Ambry Genetics
Classification: Likely benign for Familial thoracic aortic aneurysm and aortic dissection. Last evaluated: 2017-07-21. Review status: criteria provided, single submitter. Criteria: Ambry Variant Classification Scheme 2023. Collection method: clinical testing. Allele origin: germline.

Dr. Peter K. Rogan Lab, Western University
No classification provided (evidence only). Condition: Uterine corpus endometrial carcinoma. Review status: no classification provided. Collection method: in vitro. Allele origin: not applicable. Functional consequence: retained intron. Not counted in ClinVar's aggregate classification.

NM_053025.4(MYLK):c.3843C>T (p.Ser1281=)

Gene: MYLK (myosin light chain kinase; minus strand). Cytogenetic location: 3q21.1.
Variant type: single nucleotide variant.
Coding change: c.3843C>T on transcript NM_053025.4 (MANE Select); coding-DNA position 3843, C replaced by T.
Protein change: p.Ser1281=; no amino-acid change (serine 1281 retained).
Molecular consequence: synonymous variant.
Genome position (GRCh38, 1-based): chr3:123,664,247, G>A on the plus strand (C>T on the coding strand, the complement: MYLK is on the minus strand). VCF-style: chr3-123664247-G-A. GRCh37 (hg19) VCF-style: chr3-123383094-G-A.
Other names: c.3315C>T, p.Ser1105= (NM_001321309.2); c.3636C>T, p.Ser1212= (NM_053026.4, NM_053028.4); c.3843C>T, p.Ser1281= (NM_053027.4).
Identifiers: ClinVar variation 241760 (VCV000241760.26), dbSNP rs377231739, ClinGen allele CA070339.